The following is an entry in ClinVar:

ClinVar aggregate classification (germline): Likely benign (1 of 4 stars; one submission).

Allele frequency attached by ClinVar (database versions not stated): ExAC 0.00002; gnomAD 0.00005; ESP Exome Variant Server 0.00008; 1000 Genomes Project 0.00020; 1000 Genomes Project 30x 0.00031.
gnomAD v4.1: 37 of 1,613,986 alleles (0.0023%); highest among the groups gnomAD compares: African/African-American, 0.019%; 1 homozygote.

Submission:

CeGaT Center for Human Genetics Tuebingen
Classification: Likely benign. Last evaluated: 2022-04-01. Review status: criteria provided, single submitter. Criteria: CeGaT Center For Human Genetics Tuebingen Variant Classification Criteria Version 2. Collection method: clinical testing. Allele origin: germline. Affected: yes. Observed: 1 variant allele.
Comment: MACF1: BP4

NM_001394062.1(MACF1):c.3067C>T (p.Arg1023Cys)

Gene: MACF1 (microtubule actin crosslinking factor 1; plus strand). Cytogenetic location: 1p34.3.
Variant type: single nucleotide variant.
Coding change: c.3067C>T on transcript NM_001394062.1 (MANE Select); coding-DNA position 3067, C replaced by T.
Protein change: p.Arg1023Cys; replaces arginine 1023 with cysteine.
Molecular consequence: missense variant.
Genome position (GRCh38, 1-based): chr1:39,310,395, C>T. VCF-style: chr1-39310395-C-T. GRCh37 (hg19) VCF-style: chr1-39776067-C-T.
Other names: c.3082C>T, p.Arg1028Cys (NM_012090.5); short protein forms R1023C, R1028C.
Identifiers: ClinVar variation 2638693 (VCV002638693.24), dbSNP rs199616867, ClinGen allele CA779876.